The following is an entry in ClinVar:

NM_006206.6(PDGFRA):c.1963T>G (p.Leu655Val)

Gene: PDGFRA (platelet derived growth factor receptor alpha; plus strand). Cytogenetic location: 4q12.
Variant type: single nucleotide variant.
Coding change: c.1963T>G on transcript NM_006206.6 (MANE Select); coding-DNA position 1963, T replaced by G.
Protein change: p.Leu655Val; replaces leucine 655 with valine.
Molecular consequence: missense variant.
Genome position (GRCh38, 1-based): chr4:54,277,967, T>G. VCF-style: chr4-54277967-T-G. GRCh37 (hg19) VCF-style: chr4-55144134-T-G.
Other names: c.1963T>G, p.Leu655Val (NM_001347827.2, NM_001347829.2); c.2038T>G, p.Leu680Val (NM_001347828.2); c.2002T>G, p.Leu668Val (NM_001347830.2); short protein forms L655V, L680V, L668V.
Identifiers: ClinVar variation 842661 (VCV000842661.12), dbSNP rs1279735973, ClinGen allele CA356893721.
Genomic context (GRCh38, chr4:54,277,967, plus strand): 5'-TCCAGTGAAAAACAAGCTCTCATGTCTGAACTGAAGATAATGACTCACCTGGGGCCACAT[T>G]TGAACATTGTAAACTTGCTGGGAGCCTGCACCAAGTCAGGTGGGCTCACTGACCTGGAGT-3'
Protein context (NP_006197.1, residues 645-665): LKIMTHLGPH[Leu655Val]NIVNLLGACT

ClinVar aggregate classification (germline): Uncertain significance. Review status: criteria provided, multiple submitters, no conflicts (2 of 4 stars). 2 submissions from 2 submitters: Uncertain significance (2). Last evaluated 2025-07-07.

Conditions:
Gastrointestinal stromal tumor. Also called: Gastrointestinal stromal tumor, somatic; Gastrointestinal stroma tumor. Identifiers: Orphanet 44890, MedGen C0238198, MeSH D046152, MONDO:0011719, OMIM 606764, HP:0100723.
Hereditary cancer-predisposing syndrome. Also called: Neoplastic Syndromes, Hereditary; Tumor predisposition; Hereditary Cancer Syndrome; Hereditary neoplastic syndrome. Identifiers: Orphanet 140162, MedGen C0027672, MeSH D009386, MONDO:0015356.

Allele frequency attached by ClinVar (database versions not stated): TOPMed 0.00004.

Submissions (2):

Labcorp Genetics (formerly Invitae), Labcorp
Classification: Uncertain significance for Gastrointestinal stromal tumor. Last evaluated: 2025-07-07. Review status: criteria provided, single submitter. Criteria: Invitae Variant Classification Sherloc (09022015). Collection method: clinical testing. Allele origin: germline.
Comment: This sequence change replaces leucine, which is neutral and non-polar, with valine, which is neutral and non-polar, at codon 655 of the PDGFRA protein (p.Leu655Val). This variant is not present in population databases (gnomAD no frequency). This variant has not been reported in the literature in individuals affected with PDGFRA-related conditions. ClinVar contains an entry for this variant (Variation ID: 842661). Invitae Evidence Modeling of protein sequence and biophysical properties (such as structural, functional, and spatial information, amino acid conservation, physicochemical variation, residue mobility, and thermodynamic stability) has been performed for this missense variant. However, the output from this modeling did not meet the statistical confidence thresholds required to predict the impact of this variant on PDGFRA protein function. In summary, the available evidence is currently insufficient to determine the role of this variant in disease. Therefore, it has been classified as a Variant of Uncertain Significance.

Ambry Genetics
Classification: Uncertain significance for Hereditary cancer-predisposing syndrome. Last evaluated: 2022-07-04. Review status: criteria provided, single submitter. Criteria: Ambry Variant Classification Scheme 2023. Collection method: clinical testing. Allele origin: germline.
Comment: The p.L655V variant (also known as c.1963T>G), located in coding exon 13 of the PDGFRA gene, results from a T to G substitution at nucleotide position 1963. The leucine at codon 655 is replaced by valine, an amino acid with highly similar properties. This amino acid position is conserved. In addition, the in silico prediction for this alteration is inconclusive. Since supporting evidence is limited at this time, the clinical significance of this alteration remains unclear.